The following is an entry in ClinVar:

ClinVar aggregate classification (germline): Uncertain significance (1 of 4 stars; one submission).

Submission:

Labcorp Genetics (formerly Invitae), Labcorp
Classification: Uncertain significance. Last evaluated: 2022-07-30. Review status: criteria provided, single submitter. Criteria: Invitae Variant Classification Sherloc (09022015). Collection method: clinical testing. Allele origin: germline.
Comment: In summary, the available evidence is currently insufficient to determine the role of this variant in disease. Therefore, it has been classified as a Variant of Uncertain Significance. Algorithms developed to predict the effect of missense changes on protein structure and function output the following: SIFT: "Tolerated"; PolyPhen-2: "Benign"; Align-GVGD: "Class C0". The proline amino acid residue is found in multiple mammalian species, which suggests that this missense change does not adversely affect protein function. This variant has not been reported in the literature in individuals affected with ZNF408-related conditions. This variant is not present in population databases (gnomAD no frequency). This sequence change replaces serine, which is neutral and polar, with proline, which is neutral and non-polar, at codon 639 of the ZNF408 protein (p.Ser639Pro).

NM_024741.3(ZNF408):c.1915T>C (p.Ser639Pro)

Gene: ZNF408 (zinc finger protein 408; plus strand). Cytogenetic location: 11p11.2.
Variant type: single nucleotide variant.
Coding change: c.1915T>C on transcript NM_024741.3 (MANE Select); coding-DNA position 1915, T replaced by C.
Protein change: p.Ser639Pro; replaces serine 639 with proline.
Molecular consequence: missense variant.
Genome position (GRCh38, 1-based): chr11:46,705,615, T>C. VCF-style: chr11-46705615-T-C. GRCh37 (hg19) VCF-style: chr11-46727165-T-C.
Other names: c.1891T>C, p.Ser631Pro (NM_001184751.2); short protein forms S631P, S639P.
Identifiers: ClinVar variation 1714441 (VCV001714441.5), dbSNP rs2502797308, ClinGen allele CA380257794.